The following is an entry in ClinVar:

ClinVar aggregate classification (germline): Likely benign (1 of 4 stars; one submission).

Conditions:
MAF-related disorder. Also called: MAF-related condition.

gnomAD v4.1: 5 of 1,613,756 alleles (0.00031%); highest among the groups gnomAD compares: Admixed American, 0.0033%; no homozygotes.

Submission:

PreventionGenetics, part of Exact Sciences
Classification: Likely benign for MAF-related condition. Last evaluated: 2025-12-22. Review status: criteria provided, single submitter. Criteria: ACMG Guidelines, 2015. Collection method: clinical testing. Allele origin: germline.
Comment: This variant is classified as likely benign based on ACMG/AMP sequence variant interpretation guidelines (Richards et al. 2015 PMID: 25741868, with internal and published modifications).

NM_005360.5(MAF):c.990C>G (p.Leu330=)

Gene: MAF (MAF bZIP transcription factor; minus strand). Cytogenetic location: 16q23.2.
Variant type: single nucleotide variant.
Coding change: c.990C>G on transcript NM_005360.5 (MANE Select); coding-DNA position 990, C replaced by G.
Protein change: p.Leu330=; no amino-acid change (leucine 330 retained).
Molecular consequence: synonymous variant.
Genome position (GRCh38, 1-based): chr16:79,598,913, G>C on the plus strand (C>G on the coding strand, the complement: MAF is on the minus strand). VCF-style: chr16-79598913-G-C. GRCh37 (hg19) VCF-style: chr16-79632810-G-C.
Other names: c.990C>G, p.Leu330= (NM_001031804.3).
Identifiers: ClinVar variation 4985137 (VCV004985137.1).